The following is an entry in ClinVar:

NM_005475.3(SH2B3):c.1347G>C (p.Glu449Asp)

Gene: SH2B3 (SH2B adaptor protein 3; plus strand). Cytogenetic location: 12q24.12.
Variant type: single nucleotide variant.
Coding change: c.1347G>C on transcript NM_005475.3 (MANE Select); coding-DNA position 1347, G replaced by C.
Protein change: p.Glu449Asp; replaces glutamic acid 449 with aspartic acid.
Molecular consequence: missense variant.
Genome position (GRCh38, 1-based): chr12:111,447,766, G>C. VCF-style: chr12-111447766-G-C. GRCh37 (hg19) VCF-style: chr12-111885570-G-C.
Other names: c.741G>C, p.Glu247Asp (NM_001291424.1); short protein forms E449D, E247D.
Identifiers: ClinVar variation 3440712 (VCV003440712.1).

ClinVar aggregate classification (germline): Uncertain significance (1 of 4 stars; one submission).

Conditions:
Inborn genetic diseases. Identifiers: MedGen C0950123, MeSH D030342.

Submission:

Ambry Genetics
Classification: Uncertain significance for Inborn genetic diseases. Last evaluated: 2024-10-04. Review status: criteria provided, single submitter. Criteria: Ambry Variant Classification Scheme 2023. Collection method: clinical testing. Allele origin: germline.
Comment: The p.E449D variant (also known as c.1347G>C), located in coding exon 6 of the SH2B3 gene, results from a G to C substitution at nucleotide position 1347. The glutamic acid at codon 449 is replaced by aspartic acid, an amino acid with highly similar properties. This amino acid position is conserved. In addition, this alteration is predicted to be tolerated by in silico analysis. Based on the available evidence, the clinical significance of this variant remains unclear.